The following is an entry in ClinVar:

ClinVar aggregate classification (germline): Pathogenic (1 of 4 stars; one submission).

Submission:

GeneDx
Classification: Pathogenic. Last evaluated: 2025-07-25. Review status: criteria provided, single submitter. Criteria: GeneDx Variant Classification Process June 2021. Collection method: clinical testing. Allele origin: germline. Affected: yes.
Comment: Not observed at significant frequency in large population cohorts (gnomAD); In silico analysis supports that this missense variant has a deleterious effect on protein structure/function; Has not been previously published as pathogenic or benign to our knowledge; This variant is associated with the following publications: (PMID: 37596007, 37585367)

NM_001330260.2(SCN8A):c.3926G>C (p.Arg1309Pro)

Gene: SCN8A (sodium voltage-gated channel alpha subunit 8; plus strand). Cytogenetic location: 12q13.13.
Variant type: single nucleotide variant.
Coding change: c.3926G>C on transcript NM_001330260.2 (MANE Select); coding-DNA position 3926, G replaced by C.
Protein change: p.Arg1309Pro; replaces arginine 1309 with proline.
Molecular consequence: missense variant. On other transcripts: intron variant (2).
Genome position (GRCh38, 1-based): chr12:51,780,755, G>C. VCF-style: chr12-51780755-G-C. GRCh37 (hg19) VCF-style: chr12-52174539-G-C.
Other names: c.3926G>C, p.Arg1309Pro (NM_014191.4); c.3820-5787G>C (NM_001177984.3, NM_001369788.1); short protein forms R1309P.
Identifiers: ClinVar variation 4686867 (VCV004686867.1).
Genomic context (GRCh38, chr12:51,780,755, plus strand): 5'-TAGGTGCCATAAAGTCCCTTAGGACCCTAAGAGCTTTGAGACCCTTAAGAGCCTTATCAC[G>C]ATTTGAAGGGATGAGGGTAAGATACTAAGAGCAGCTGATCCTTCTGCATGCCAGTGGAAA-3'
Protein context (NP_001317189.1, residues 1299-1319): RALRPLRALS[Arg1309Pro]FEGMRVVVNA